The following is an entry in ClinVar:

NM_005138.3(SCO2):c.772A>G (p.Met258Val)

Genes: NCAPH2 (non-SMC condensin II complex subunit H2; plus strand), SCO2 (synthesis of cytochrome C oxidase 2; minus strand). Cytogenetic location: 22q13.33.
Variant type: single nucleotide variant.
Coding change: c.772A>G on transcript NM_005138.3 (MANE Select); coding-DNA position 772, A replaced by G.
Protein change: p.Met258Val; replaces methionine 258 with valine.
Molecular consequence: missense variant. On other transcripts: 3 prime UTR variant (2).
Genome position (GRCh38, 1-based): chr22:50,523,640, T>C on the plus strand (A>G on the coding strand, the complement: SCO2 is on the minus strand). VCF-style: chr22-50523640-T-C. GRCh37 (hg19) VCF-style: chr22-50962069-T-C.
Other names: c.*265T>C (NM_001185011.2, NM_152299.4); c.772A>G, p.Met258Val (NM_001169109.2, NM_001169110.1, NM_001169111.2); short protein forms M258V.
Identifiers: ClinVar variation 3602618 (VCV003602618.1).

ClinVar aggregate classification (germline): Uncertain significance (1 of 4 stars; one submission).

Conditions:
Cardioencephalomyopathy, fatal infantile, due to cytochrome c oxidase deficiency 1 (MC4DN2). Also called: MITOCHONDRIAL COMPLEX IV DEFICIENCY, NUCLEAR TYPE 2; CYTOCHROME c OXIDASE DEFICIENCY, FATAL INFANTILE, WITH CARDIOENCEPHALOMYOPATHY. Identifiers: Orphanet 1561, MedGen C5399977, MONDO:0011451, OMIM 604377.

gnomAD v4.1: 42 of 1,613,836 alleles (0.0026%); highest among the groups gnomAD compares: Non-Finnish European, 0.0034%; no homozygotes.

Submission:

Department of Child Neurology, National Center Hospital, National Center of Neurology and Psychiatry
Classification: Uncertain significance for Cardioencephalomyopathy, fatal infantile, due to cytochrome c oxidase deficiency 1. Last evaluated: 2024-12-16. Review status: criteria provided, single submitter. Criteria: ACMG Guidelines, 2015. Collection method: research. Allele origin: paternal. Inheritance: Autosomal recessive inheritance. Affected: yes. Observed: 1 variant allele.
Comment: c.772A>G (p.Met258Val) was classified as a variant of uncertain significance (PM5, PM2_supporting).The c.772A>G (p.Met258Val) variant is located at the C-terminus of the thioredoxin-like fold domain, which plays a critical role in the assembly and stabilization of cytochrome c oxidase (COX) by mediating copper transfer during COX biogenesis. This variant forms hydrogen bonds with the pathogenic variant p.Arg255 and contributes to the α-helix structure. The substitution of the amphipathic methionine (Met) residue with a highly hydrophobic valine (Val) is predicted to destabilize the protein fold, disrupting the copper-binding capacity and rendering the protein more susceptible to aggregation and degradation.